The following is an entry in ClinVar:

ClinVar aggregate classification (germline): Uncertain significance (1 of 4 stars; one submission).

Conditions:
Long QT syndrome (LQTS). Identifiers: MedGen C0023976, MeSH D008133, MONDO:0002442. Disease mechanism: loss of function. Inheritance: Various modes of inheritance.

gnomAD v4.1: 2 of 1,614,124 alleles (0.00012%); highest among the groups gnomAD compares: East Asian, 0.0022%; no homozygotes.

Submission:

Labcorp Genetics (formerly Invitae), Labcorp
Classification: Uncertain significance for Long QT syndrome. Last evaluated: 2025-03-05. Review status: criteria provided, single submitter. Criteria: Invitae Variant Classification Sherloc (09022015). Collection method: clinical testing. Allele origin: germline.
Comment: This sequence change replaces methionine, which is neutral and non-polar, with valine, which is neutral and non-polar, at codon 2699 of the ANK2 protein (p.Met2699Val). This variant is not present in population databases (gnomAD no frequency). This variant has not been reported in the literature in individuals affected with ANK2-related conditions. An algorithm developed to predict the effect of missense changes on protein structure and function outputs the following: PolyPhen-2: "Benign". The valine amino acid residue is found in multiple mammalian species, which suggests that this missense change does not adversely affect protein function. In summary, the available evidence is currently insufficient to determine the role of this variant in disease. Therefore, it has been classified as a Variant of Uncertain Significance.

NM_001148.6(ANK2):c.8095A>G (p.Met2699Val)

Gene: ANK2 (ankyrin 2; plus strand). Cytogenetic location: 4q26.
Variant type: single nucleotide variant.
Coding change: c.8095A>G on transcript NM_001148.6 (MANE Select); coding-DNA position 8095, A replaced by G.
Protein change: p.Met2699Val; replaces methionine 2699 with valine.
Molecular consequence: missense variant. On other transcripts: intron variant (68).
Genome position (GRCh38, 1-based): chr4:113,356,713, A>G. VCF-style: chr4-113356713-A-G. GRCh37 (hg19) VCF-style: chr4-114277869-A-G.
Other names: c.7861A>G, p.Met2621Val (NM_001386142.1); c.4495A>G, p.Met1499Val (NM_001386166.1); c.8236A>G, p.Met2746Val (NM_001386174.1); c.8212A>G, p.Met2738Val (NM_001386175.1); c.4412-4110A>G (NM_001386186.2, NM_001386148.2); c.4214-4110A>G (NM_001354269.3); c.4292-4110A>G (NM_001386187.2); c.4253-4110A>G (NM_001386147.1); and 35 more; short protein forms M2621V, M2699V, M1499V, M2746V, M2738V.
Identifiers: ClinVar variation 4703618 (VCV004703618.1).